The following is an entry in ClinVar:

ClinVar aggregate classification (germline): Uncertain significance (1 of 4 stars; one submission).

Conditions:
Immunodeficiency 67. Also called: Immunodeficiency due to interleukin-1 receptor-associated kinase-4 deficiency. Identifiers: Orphanet 70592, MedGen C1843256, MONDO:0011888, OMIM 607676.

Allele frequency attached by ClinVar (database versions not stated): ExAC 0.00001; gnomAD 0.00001; gnomAD exomes 0.00001.
gnomAD v4.1: 17 of 1,613,732 alleles (0.0011%); highest among the groups gnomAD compares: Non-Finnish European, 0.0014%; no homozygotes.

Submission:

Labcorp Genetics (formerly Invitae), Labcorp
Classification: Uncertain significance for Immunodeficiency 67. Last evaluated: 2022-11-22. Review status: criteria provided, single submitter. Criteria: Invitae Variant Classification Sherloc (09022015). Collection method: clinical testing. Allele origin: germline.
Comment: ClinVar contains an entry for this variant (Variation ID: 1059930). In summary, the available evidence is currently insufficient to determine the role of this variant in disease. Therefore, it has been classified as a Variant of Uncertain Significance. Advanced modeling of protein sequence and biophysical properties (such as structural, functional, and spatial information, amino acid conservation, physicochemical variation, residue mobility, and thermodynamic stability) performed at Invitae indicates that this missense variant is not expected to disrupt IRAK4 protein function. This variant has not been reported in the literature in individuals affected with IRAK4-related conditions. This variant is present in population databases (rs762213099, gnomAD 0.002%). This sequence change replaces glutamic acid, which is acidic and polar, with glutamine, which is neutral and polar, at codon 142 of the IRAK4 protein (p.Glu142Gln).

NM_016123.4(IRAK4):c.424G>C (p.Glu142Gln)

Gene: IRAK4 (interleukin 1 receptor associated kinase 4; plus strand). Cytogenetic location: 12q12.
Variant type: single nucleotide variant.
Coding change: c.424G>C on transcript NM_016123.4 (MANE Select); coding-DNA position 424, G replaced by C.
Protein change: p.Glu142Gln; replaces glutamic acid 142 with glutamine.
Molecular consequence: missense variant. On other transcripts: 5 prime UTR variant (2).
Genome position (GRCh38, 1-based): chr12:43,772,296, G>C. VCF-style: chr12-43772296-G-C. GRCh37 (hg19) VCF-style: chr12-44166099-G-C.
Other names: c.424G>C, p.Glu142Gln (NM_001114182.3, NM_001351345.2); c.52G>C, p.Glu18Gln (NM_001145256.2, NM_001145257.2, NM_001145258.2 and 5 more transcripts); c.-100G>C (NM_001351343.2, NM_001351344.2); short protein forms E142Q, E18Q.
Identifiers: ClinVar variation 1059930 (VCV001059930.8), dbSNP rs762213099, ClinGen allele CA6522358.